The following is an entry in ClinVar:

NM_004100.5(EYA4):c.1226T>G (p.Met409Arg)

Genes: EYA4 (EYA transcriptional coactivator and phosphatase 4; plus strand), TARID (TCF21 antisense RNA inducing promoter demethylation; minus strand), LOC126859796 (MED14-independent group 3 enhancer GRCh37_chr6:133826289-133827488; plus strand). Cytogenetic location: 6q23.2.
Variant type: single nucleotide variant.
Coding change: c.1226T>G on transcript NM_004100.5 (MANE Select); coding-DNA position 1226, T replaced by G.
Protein change: p.Met409Arg; replaces methionine 409 with arginine.
Molecular consequence: missense variant. On other transcripts: non-coding transcript variant (1).
Genome position (GRCh38, 1-based): chr6:133,506,140, T>G. VCF-style: chr6-133506140-T-G. GRCh37 (hg19) VCF-style: chr6-133827278-T-G.
Other names: c.1064T>G, p.Met355Arg (NM_001301012.2); c.1244T>G, p.Met415Arg (NM_001301013.2); c.1157T>G, p.Met386Arg (NM_001370458.1, NM_172103.4); c.1082T>G, p.Met361Arg (NM_001370459.1); c.1226T>G, p.Met409Arg (NM_172105.4); short protein forms M355R, M361R, M386R, M409R, M415R.
Identifiers: ClinVar variation 1712119 (VCV001712119.8), dbSNP rs2535223971, ClinGen allele CA365713505.
Genomic context (GRCh38, chr6:133,506,140, plus strand): 5'-TCATTATGTGTACATTTTCTTTACAGGATCCCCCCATGGCTGTAACCCTTGGACTCCGCA[T>G]GGAAGAAATGATTTTTAATCTTGCTGATACTCATTTGTTTTTTAATGATTTAGAGGTAAG-3'
Protein context (NP_004091.3, residues 399-419): PPMAVTLGLR[Met409Arg]EEMIFNLADT

ClinVar aggregate classification (germline): Uncertain significance. Review status: criteria provided, multiple submitters, no conflicts (2 of 4 stars). 3 submissions from 3 submitters: Uncertain significance (3). Last evaluated 2023-02-16.

Conditions:
Dilated cardiomyopathy 1J (CMD1J). Also called: CARDIOMYOPATHY, DILATED, WITH SENSORINEURAL HEARING LOSS, AUTOSOMAL DOMINANT. Identifiers: Orphanet 217622, MedGen C1854368, MONDO:0011541, OMIM 605362.

Submissions (3):

Blueprint Genetics
Classification: Uncertain significance. Last evaluated: 2023-02-16. Review status: criteria provided, single submitter. Criteria: ACMG Guidelines, 2015. Collection method: clinical testing. Allele origin: germline.

GeneDx
Classification: Uncertain significance. Last evaluated: 2022-04-19. Review status: criteria provided, single submitter. Criteria: GeneDx Variant Classification Process June 2021. Collection method: clinical testing. Allele origin: germline. Affected: yes.
Comment: Not observed at significant frequency in large population cohorts (gnomAD); In silico analysis supports that this missense variant has a deleterious effect on protein structure/function; Has not been previously published as pathogenic or benign to our knowledge

Labcorp Genetics (formerly Invitae), Labcorp
Classification: Uncertain significance for Dilated cardiomyopathy 1J. Last evaluated: 2022-02-23. Review status: criteria provided, single submitter. Criteria: Invitae Variant Classification Sherloc (09022015). Collection method: clinical testing. Allele origin: germline.
Comment: This sequence change replaces methionine, which is neutral and non-polar, with arginine, which is basic and polar, at codon 409 of the EYA4 protein (p.Met409Arg). This variant is not present in population databases (gnomAD no frequency). This variant has not been reported in the literature in individuals affected with EYA4-related conditions. Algorithms developed to predict the effect of missense changes on protein structure and function (SIFT, PolyPhen-2, Align-GVGD) all suggest that this variant is likely to be disruptive. In summary, the available evidence is currently insufficient to determine the role of this variant in disease. Therefore, it has been classified as a Variant of Uncertain Significance.